The following is an entry in ClinVar:

NM_001271.4(CHD2):c.5002C>T (p.His1668Tyr)

Gene: CHD2 (chromodomain helicase DNA binding protein 2; plus strand). Cytogenetic location: 15q26.1.
Variant type: single nucleotide variant.
Coding change: c.5002C>T on transcript NM_001271.4 (MANE Select); coding-DNA position 5002, C replaced by T.
Protein change: p.His1668Tyr; replaces histidine 1668 with tyrosine.
Molecular consequence: missense variant.
Genome position (GRCh38, 1-based): chr15:93,020,107, C>T. VCF-style: chr15-93020107-C-T. GRCh37 (hg19) VCF-style: chr15-93563337-C-T.
Other names: short protein forms H1668Y.
Identifiers: ClinVar variation 575953 (VCV000575953.10), dbSNP rs142534503, ClinGen allele CA274888381.
Genomic context (GRCh38, chr15:93,020,107, plus strand): 5'-TATGGTGGTGGCAACAACAATCCACCATGGGGAAGCGACAGGCACCATCAGTATGAGCAG[C>T]ACTGGTACAAGGACCACCATTATGGGGACCGGCGACATATGGATGCCCACCGTTCCGGAA-3'
Protein context (NP_001262.3, residues 1658-1678): GSDRHHQYEQ[His1668Tyr]WYKDHHYGDR

ClinVar aggregate classification (germline): Uncertain significance. Review status: criteria provided, multiple submitters, no conflicts (2 of 4 stars). 2 submissions from 2 submitters: Uncertain significance (2). Last evaluated 2025-12-03.

Conditions:
Developmental and epileptic encephalopathy 94 (DEE94). Also called: CHD2-Related Neurodevelopmental Disorders; Epileptic encephalopathy, childhood-onset. Identifiers: Orphanet 1942, Orphanet 2382, MedGen C3809278, MONDO:0014150, OMIM 615369.

Allele frequency attached by ClinVar (database versions not stated): gnomAD exomes below 0.00001; ESP Exome Variant Server 0.00008.
gnomAD v4.1: 5 of 1,614,130 alleles (0.00031%); highest among the groups gnomAD compares: South Asian, 0.0022%; no homozygotes.

Submissions (2):

Women's Health and Genetics/Laboratory Corporation of America, LabCorp
Classification: Uncertain significance. Last evaluated: 2025-12-03. Review status: criteria provided, single submitter. Criteria: LabCorp Variant Classification Summary - May 2015. Collection method: clinical testing. Allele origin: germline.
Comment: Variant summary: CHD2 c.5002C>T (p.His1668Tyr) results in a conservative amino acid change in the encoded protein sequence. Algorithms developed to predict the effect of missense changes on protein structure and function are either unavailable or do not agree on the potential impact of this missense change. The variant allele was found at a frequency of 4e-06 in 251472 control chromosomes. The available data on variant occurrences in the general population are insufficient to allow any conclusion about variant significance. To our knowledge, no occurrence of c.5002C>T in individuals affected with CHD2-related conditions and no experimental evidence demonstrating its impact on protein function have been reported. ClinVar contains an entry for this variant (Variation ID: 575953). Based on the evidence outlined above, the variant was classified as uncertain significance.

Labcorp Genetics (formerly Invitae), Labcorp
Classification: Uncertain significance for Developmental and epileptic encephalopathy 94. Last evaluated: 2018-05-17. Review status: criteria provided, single submitter. Criteria: Invitae Variant Classification Sherloc (09022015). Collection method: clinical testing. Allele origin: germline.
Comment: In summary, the available evidence is currently insufficient to determine the role of this variant in disease. Therefore, it has been classified as a Variant of Uncertain Significance. Algorithms developed to predict the effect of missense changes on protein structure and function are either unavailable or do not agree on the potential impact of this missense change (SIFT: "Deleterious"; PolyPhen-2: "Benign"; Align-GVGD: "Class C0"). This variant has not been reported in the literature in individuals with CHD2-related disease. This variant is not present in population databases (ExAC no frequency). This sequence change replaces histidine with tyrosine at codon 1668 of the CHD2 protein (p.His1668Tyr). The histidine residue is moderately conserved and there is a moderate physicochemical difference between histidine and tyrosine.